The following is an entry in ClinVar:

ClinVar aggregate classification (germline): Likely pathogenic. Review status: criteria provided, multiple submitters, no conflicts (2 of 4 stars). 2 submissions from 2 submitters: Likely pathogenic (2). Last evaluated 2025-06-11.

Conditions:
TTN-related disorder. Also called: TTN-related condition; TTN-related disease; TTN-related disorders.
Dilated cardiomyopathy 1G (CMD1G). Identifiers: Orphanet 154, MedGen C1858763, MONDO:0011400, OMIM 604145.
Autosomal recessive limb-girdle muscular dystrophy type 2J (LGMDR10). Also called: Limb-girdle muscular dystrophy, type 2J; MUSCULAR DYSTROPHY, LIMB-GIRDLE, AUTOSOMAL RECESSIVE 10. Identifiers: Orphanet 140922, MedGen C1837342, MONDO:0012127, OMIM 608807.

gnomAD v4.1: 1 of 1,613,670 alleles (0.000062%); highest among the groups gnomAD compares: Non-Finnish European, 0.000085%; no homozygotes.

Submissions (2):

Labcorp Genetics (formerly Invitae), Labcorp
Classification: Likely pathogenic for Dilated cardiomyopathy 1G; Autosomal recessive limb-girdle muscular dystrophy type 2J. Last evaluated: 2025-06-11. Review status: criteria provided, single submitter. Criteria: Invitae Variant Classification Sherloc (09022015). Collection method: clinical testing. Allele origin: germline.
Comment: This sequence change creates a premature translational stop signal (p.Gln4258*) in the TTN gene. While this is not anticipated to result in nonsense mediated decay, it is expected to create a truncated TTN protein. This variant is not present in population databases (gnomAD no frequency). This variant has not been observed in the literature in individuals with autosomal recessive TTN-related conditions. This variant has been reported in individual(s) with dilated cardiomyopathy (internal data); however, the role of the variant in this condition is currently unclear. This variant is located in the I band of TTN (PMID: 25589632). Truncating variants in this region have been reported in individuals affected with autosomal recessive centronuclear myopathy (PMID: 23975875, internal data). Truncating variants in this region have also been identified in individuals affected with autosomal dominant dilated cardiomyopathy and/or cardio-related conditions (PMID: 27869827, 32964742, internal data). In summary, the currently available evidence indicates that the variant is pathogenic, but additional data are needed to prove that conclusively. Therefore, this variant has been classified as Likely Pathogenic.

Blueprint Genetics
Classification: Likely pathogenic for TTN-related disorders. Last evaluated: 2022-01-10. Review status: criteria provided, single submitter. Criteria: ACMG Guidelines, 2015. Collection method: clinical testing. Allele origin: germline. Affected: yes. Observed: 2 variant alleles.

Literature cited by the submitters: PubMed 25589632 (cited by Labcorp Genetics (formerly Invitae), Labcorp); PubMed 23975875 (cited by Labcorp Genetics (formerly Invitae), Labcorp); PubMed 27869827 (cited by Labcorp Genetics (formerly Invitae), Labcorp); PubMed 32964742 (cited by Labcorp Genetics (formerly Invitae), Labcorp).

NM_001267550.2(TTN):c.12772C>T (p.Gln4258Ter)

Gene: TTN (titin; minus strand). Cytogenetic location: 2q31.2.
Variant type: single nucleotide variant.
Coding change: c.12772C>T on transcript NM_001267550.2 (MANE Select); coding-DNA position 12772, C replaced by T.
Protein change: p.Gln4258Ter; replaces glutamine 4258 with a stop codon.
Molecular consequence: nonsense. On other transcripts: intron variant (1).
Genome position (GRCh38, 1-based): chr2:178,740,461, G>A on the plus strand (C>T on the coding strand, the complement: TTN is on the minus strand). VCF-style: chr2-178740461-G-A. GRCh37 (hg19) VCF-style: chr2-179605188-G-A.
Other names: c.11821C>T, p.Gln3941Ter (NM_001256850.1); c.11683C>T, p.Gln3895Ter (NM_003319.4); c.12058C>T, p.Gln4020Ter (NM_133432.3); c.12259C>T, p.Gln4087Ter (NM_133437.4); c.10361-2101C>T (NM_133378.4); short protein forms Q3895*, Q3941*, Q4258*, Q4020*, Q4087*.
Identifiers: ClinVar variation 4793363 (VCV004793363.2).